The following is an entry in ClinVar:

ClinVar aggregate classification (germline): Uncertain significance (1 of 4 stars; one submission).

Conditions:
Dystonia 16 (DYT16). Also called: DYT-PRKRA. Identifiers: Orphanet 210571, MedGen C2677567, MONDO:0012789, OMIM 612067.

Allele frequency attached by ClinVar (database versions not stated): gnomAD exomes 0.00001 and below 0.00001; ExAC 0.00001.
gnomAD v4.1: 13 of 1,603,344 alleles (0.00081%); highest among the groups gnomAD compares: Non-Finnish European, 0.0011%; no homozygotes.

Submission:

Labcorp Genetics (formerly Invitae), Labcorp
Classification: Uncertain significance for Dystonia 16. Last evaluated: 2021-08-26. Review status: criteria provided, single submitter. Criteria: Invitae Variant Classification Sherloc (09022015). Collection method: clinical testing. Allele origin: germline.
Comment: This sequence change replaces serine with leucine at codon 167 of the PRKRA protein (p.Ser167Leu). The serine residue is highly conserved and there is a large physicochemical difference between serine and leucine. This variant is present in population databases (rs747134851, ExAC 0.002%). This variant has not been reported in the literature in individuals affected with PRKRA-related conditions. Algorithms developed to predict the effect of missense changes on protein structure and function (SIFT, PolyPhen-2, Align-GVGD) all suggest that this variant is likely to be disruptive. In summary, the available evidence is currently insufficient to determine the role of this variant in disease. Therefore, it has been classified as a Variant of Uncertain Significance.

NM_003690.5(PRKRA):c.500C>T (p.Ser167Leu)

Gene: PRKRA (protein activator of interferon induced protein kinase EIF2AK2; minus strand). Cytogenetic location: 2q31.2.
Variant type: single nucleotide variant.
Coding change: c.500C>T on transcript NM_003690.5 (MANE Select); coding-DNA position 500, C replaced by T.
Protein change: p.Ser167Leu; replaces serine 167 with leucine.
Molecular consequence: missense variant.
Genome position (GRCh38, 1-based): chr2:178,443,281, G>A on the plus strand (C>T on the coding strand, the complement: PRKRA is on the minus strand). VCF-style: chr2-178443281-G-A. GRCh37 (hg19) VCF-style: chr2-179308008-G-A.
Other names: c.467C>T, p.Ser156Leu (NM_001139517.2); c.425C>T, p.Ser142Leu (NM_001139518.2); c.161C>T, p.Ser54Leu (NM_001316362.2); short protein forms S142L, S167L, S156L, S54L.
Identifiers: ClinVar variation 1471347 (VCV001471347.5), dbSNP rs747134851, ClinGen allele CA1983900.